The following is an entry in ClinVar:

NM_170601.5(SIAE):c.1000G>A (p.Asp334Asn)

Gene: SIAE (sialic acid acetylesterase; minus strand). Cytogenetic location: 11q24.2.
Variant type: single nucleotide variant.
Coding change: c.1000G>A on transcript NM_170601.5 (MANE Select); coding-DNA position 1000, G replaced by A.
Protein change: p.Asp334Asn; replaces aspartic acid 334 with asparagine.
Molecular consequence: missense variant.
Genome position (GRCh38, 1-based): chr11:124,639,834, C>T on the plus strand (G>A on the coding strand, the complement: SIAE is on the minus strand). VCF-style: chr11-124639834-C-T. GRCh37 (hg19) VCF-style: chr11-124509730-C-T.
Other names: c.895G>A, p.Asp299Asn (NM_001199922.2); short protein forms D299N, D334N.
Identifiers: ClinVar variation 3624696 (VCV003624696.2).

ClinVar aggregate classification (germline): Uncertain significance (1 of 4 stars; one submission).

gnomAD v4.1: 13 of 1,614,084 alleles (0.00081%); highest among the groups gnomAD compares: Admixed American, 0.0067%; no homozygotes.

Submission:

Labcorp Genetics (formerly Invitae), Labcorp
Classification: Uncertain significance. Last evaluated: 2025-07-21. Review status: criteria provided, single submitter. Criteria: Invitae Variant Classification Sherloc (09022015). Collection method: clinical testing. Allele origin: germline.
Comment: This sequence change replaces aspartic acid, which is acidic and polar, with asparagine, which is neutral and polar, at codon 334 of the SIAE protein (p.Asp334Asn). This variant is present in population databases (rs145695338, gnomAD 0.009%). This variant has not been reported in the literature in individuals affected with SIAE-related conditions. ClinVar contains an entry for this variant (Variation ID: 3624696). An algorithm developed to predict the effect of missense changes on protein structure and function (PolyPhen-2) suggests that this variant is likely to be disruptive. In summary, the available evidence is currently insufficient to determine the role of this variant in disease. Therefore, it has been classified as a Variant of Uncertain Significance.